The following is an entry in ClinVar:

ClinVar aggregate classification (germline): conflicting data from submitters (0 of 4 stars; one submission).

Submission:

ISCA site 1
Classification: conflicting data from submitters. Last evaluated: 2013-04-04. Review status: no assertion criteria provided. Collection method: clinical testing. Allele origin: maternal, unknown. Affected: yes. Observed: 2 variant alleles.
Comment: Uncertain significance(1), Likely benign (1)

Copy number variation identified through the course of routine clinical cytogenomic testing in postnatal populations, with clinical assertions as classified by the original submitter. For data from the original published study, Kaminsky, et al. 2011 (PubMed 21844811), please see nstd101.

GRCh38/hg38 3p14.1(chr3:67566837-68960045)x1

Genes: SUCLG2 (succinate-CoA ligase GDP-forming subunit beta; minus strand), SUCLG2-DT (SUCLG2 divergent transcript; plus strand), TAFA1 (TAFA chemokine like family member 1; plus strand), TAFA4 (TAFA chemokine like family member 4; minus strand), LOC105377146 (uncharacterized LOC105377146; plus strand) and 4 more. Cytogenetic location: 3p14.1.
Variant type: copy number loss.
Change: copy number 1 (one copy instead of two) of chr3:67,566,837-68,960,045 (1.39 Mb, GRCh38 coordinates, 1-based), cytogenetic band 3p14.1.
Identifiers: ClinVar variation 146408 (VCV000146408.3).